The following is an entry in ClinVar:

NM_024318.5(LILRA6):c.195C>T (p.Ser65=)

Genes: LILRA6 (leukocyte immunoglobulin like receptor A6; minus strand), LILRB3 (leukocyte immunoglobulin like receptor B3; minus strand). Cytogenetic location: 19q13.42.
Variant type: single nucleotide variant.
Coding change: c.195C>T on transcript NM_024318.5 (MANE Select); coding-DNA position 195, C replaced by T.
Protein change: p.Ser65=; no amino-acid change (serine 65 retained).
Molecular consequence: synonymous variant. On other transcripts: non-coding transcript variant (1).
Genome position (GRCh38, 1-based): chr19:54,242,186, G>A on the plus strand (C>T on the coding strand, the complement: LILRA6 is on the minus strand). VCF-style: chr19-54242186-G-A. GRCh37 (hg19) VCF-style: chr19-54746062-G-A.
Identifiers: ClinVar variation 3341573 (VCV003341573.16).
Genomic context (GRCh38, chr19:54,242,186, plus strand): 5'-GATGGAGAATCTGGCCTTGTTCTTGGGTTCCAGTGGGTTATTTCTGTCCCAGGGCTCTGG[G>A]CTTCCCTCTTTATCCAGTCGGTACTCCTGGGCCTCCAGGCTCCCCTGACACCAGATGGTC-3'
Protein context (NP_077294.3, residues 55-75): AQEYRLDKEG[Ser65=]PEPWDRNNPL

ClinVar aggregate classification (germline): Likely benign (1 of 4 stars; one submission).

Submission:

CeGaT Center for Human Genetics Tuebingen
Classification: Likely benign. Last evaluated: 2024-07-01. Review status: criteria provided, single submitter. Criteria: CeGaT Center For Human Genetics Tuebingen Variant Classification Criteria Version 2. Collection method: clinical testing. Allele origin: germline. Affected: yes. Observed: 1 variant allele.
Comment: LILRA6: BP4, BP7; LILRB3: BP4, BP7